The following is an entry in ClinVar:

ClinVar aggregate classification (germline): Likely pathogenic. Review status: criteria provided, multiple submitters, no conflicts (2 of 4 stars). 4 submissions from 4 submitters: Likely pathogenic (3). 1 of the submissions does not count toward it. Last evaluated 2026-03-05.

Conditions:
Hermansky-Pudlak syndrome 6 (HPS6). Identifiers: Orphanet 231512, Orphanet 79430, MedGen C3888007, MONDO:0013558, OMIM 614075.
HPS6-related disorder. Also called: HPS6-related condition.

Allele frequency attached by ClinVar (database versions not stated): gnomAD 0.00002; TOPMed 0.00004; ESP Exome Variant Server 0.00008.
gnomAD v4.1: 31 of 1,613,602 alleles (0.0019%); highest among the groups gnomAD compares: Non-Finnish European, 0.0024%; no homozygotes.

Submissions (4):

PreventionGenetics, part of Exact Sciences
Classification: Likely pathogenic for HPS6-related condition. Last evaluated: 2026-03-05. Review status: criteria provided, single submitter. Criteria: ACMG Guidelines, 2015. Collection method: clinical testing. Allele origin: germline.
Comment: The HPS6 c.1999C>T variant is predicted to result in premature protein termination (p.Arg667*). This variant has been reported in the compound heterozygous state in an individual with Hermansky-Pudlak syndrome (Wang et al. 2021. PubMed ID: 33878481). This variant is reported in 0.0033% of alleles in individuals of South Asian descent in gnomAD. Nonsense variants in HPS6 are expected to be pathogenic. This variant is interpreted as likely pathogenic.

Labcorp Genetics (formerly Invitae), Labcorp
Classification: Likely pathogenic. Last evaluated: 2026-01-25. Review status: criteria provided, single submitter. Criteria: Invitae Variant Classification Sherloc (09022015). Collection method: clinical testing. Allele origin: germline.
Comment: This sequence change creates a premature translational stop signal (p.Arg667*) in the HPS6 gene. While this is not anticipated to result in nonsense mediated decay, it is expected to disrupt the last 109 amino acid(s) of the HPS6 protein. This variant is present in population databases (rs373272174, gnomAD 0.003%). This premature translational stop signal has been observed in individual(s) with Hermansky-Pudlak syndrome (PMID: 33878481). In at least one individual the data is consistent with being in trans (on the opposite chromosome) from a pathogenic variant. ClinVar contains an entry for this variant (Variation ID: 996365). This variant disrupts a region of the HPS6 protein in which other variant(s) (p.Leu731Serfs*28) have been observed in individuals with HPS6-related conditions (PMID: 31898847). This suggests that this is a clinically significant region of the protein, and that variants that disrupt it are likely to be disease-causing. In summary, the currently available evidence indicates that the variant is pathogenic, but additional data are needed to prove that conclusively. Therefore, this variant has been classified as Likely Pathogenic.

Juno Genomics, Hangzhou Juno Genomics, Inc
Classification: Likely pathogenic for Hermansky-Pudlak syndrome 6. Review status: criteria provided, single submitter. Criteria: ACMG Guidelines, 2015. Collection method: clinical testing. Allele origin: germline.
Comment: Absent from controls (or at extremely low frequency if recessive) in Genome Aggregation Database.;Null variant in a gene where loss of function (LOF) is a known mechanism of disease.;For recessive disorders, detected in trans with a pathogenic variant.;Patient's phenotype or family history is highly specific for a disease with a single genetic etiology.

Genetics and Prenatal Diagnosis Center, The First Affiliated Hospital of Zhengzhou University
Classification: Likely pathogenic for Hermansky-Pudlak syndrome 6. Last evaluated: 2020-11-13. Review status: no assertion criteria provided. Collection method: clinical testing. Allele origin: germline. Affected: yes. Not counted in ClinVar's aggregate classification.

Literature cited by the submitters: PubMed 33878481 (cited by Labcorp Genetics (formerly Invitae), Labcorp); PubMed 31898847 (cited by Labcorp Genetics (formerly Invitae), Labcorp).

NM_024747.6(HPS6):c.1999C>T (p.Arg667Ter)

Gene: HPS6 (HPS6 biogenesis of lysosomal organelles complex 2 subunit 3; plus strand). Cytogenetic location: 10q24.32.
Variant type: single nucleotide variant.
Coding change: c.1999C>T on transcript NM_024747.6 (MANE Select); coding-DNA position 1999, C replaced by T.
Protein change: p.Arg667Ter; replaces arginine 667 with a stop codon.
Molecular consequence: nonsense.
Genome position (GRCh38, 1-based): chr10:102,067,473, C>T. VCF-style: chr10-102067473-C-T. GRCh37 (hg19) VCF-style: chr10-103827230-C-T.
Other names: short protein forms R667*.
Identifiers: ClinVar variation 996365 (VCV000996365.8), dbSNP rs373272174, ClinGen allele CA5660083.